The following is an entry in ClinVar:

ClinVar aggregate classification (germline): Uncertain significance. Review status: criteria provided, single submitter (1 of 4 stars). 2 submissions from 2 submitters: Uncertain significance (1). 1 of the submissions does not count toward it. Last evaluated 2021-06-29.

Submissions (2):

GeneDx
Classification: Uncertain significance. Last evaluated: 2021-06-29. Review status: criteria provided, single submitter. Criteria: GeneDx Variant Classification Process June 2021. Collection method: clinical testing. Allele origin: germline. Affected: yes.
Comment: Not observed at significant frequency in large population cohorts (Lek et al., 2016); In silico analysis supports that this missense variant has a deleterious effect on protein structure/function; Has not been previously published as pathogenic or benign to our knowledge; This variant is associated with the following publications: (PMID: 27535533)

Gharavi Laboratory, Columbia University
Classification: Uncertain significance. Last evaluated: 2018-09-16. Review status: no assertion criteria provided. Criteria: ACMG Guidelines, 2015. Collection method: research. Allele origin: germline. Affected: yes. Not counted in ClinVar's aggregate classification.

NM_153704.6(TMEM67):c.1676C>T (p.Thr559Ile)

Gene: TMEM67 (transmembrane protein 67; plus strand). Cytogenetic location: 8q22.1.
Variant type: single nucleotide variant.
Coding change: c.1676C>T on transcript NM_153704.6 (MANE Select); coding-DNA position 1676, C replaced by T.
Protein change: p.Thr559Ile; replaces threonine 559 with isoleucine.
Molecular consequence: missense variant. On other transcripts: non-coding transcript variant (1).
Genome position (GRCh38, 1-based): chr8:93,795,410, C>T. VCF-style: chr8-93795410-C-T. GRCh37 (hg19) VCF-style: chr8-94807638-C-T.
Other names: c.1433C>T, p.Thr478Ile (NM_001142301.1); short protein forms T478I, T559I.
Identifiers: ClinVar variation 591049 (VCV000591049.3), dbSNP rs1563470521, ClinGen allele CA371692111.
Genomic context (GRCh38, chr8:93,795,410, plus strand): 5'-CTAAAAGTGGTATATACATGGAGTCTTAAACAGCTGTAATTCTTTTTTTTAAATTGCAGA[C>T]AGTTGTGAAATTCTTGGTGTACTATGCTGGTGATCTGGCCAATGTTTTCTTTATCATCAC-3'
Protein context (NP_714915.3, residues 549-569): RIGSPMIDLQ[Thr559Ile]VVKFLVYYAG